The following is an entry in ClinVar:

NM_001135649.3(FOXI3):c.44C>T (p.Pro15Leu)

Gene: FOXI3 (forkhead box I3; minus strand). Cytogenetic location: 2p11.2.
Variant type: single nucleotide variant.
Coding change: c.44C>T on transcript NM_001135649.3 (MANE Select); coding-DNA position 44, C replaced by T.
Protein change: p.Pro15Leu; replaces proline 15 with leucine.
Molecular consequence: missense variant.
Genome position (GRCh38, 1-based): chr2:88,452,492, G>A on the plus strand (C>T on the coding strand, the complement: FOXI3 is on the minus strand). VCF-style: chr2-88452492-G-A. GRCh37 (hg19) VCF-style: chr2-88752010-G-A.
Other names: short protein forms P15L.
Identifiers: ClinVar variation 2011575 (VCV002011575.4), dbSNP rs2528918100, ClinGen allele CA347767164.
Genomic context (GRCh38, chr2:88,452,492, plus strand): 5'-GCCCTGGCTGCCGGGGGGGCGCCCGGGGCGGCGGCGGTGGCGGCGGGCGGGGGCAGGCCG[G>A]GCTGCGAATACACTCCGAAGTTGTCGCCGCAGTAGAGGGCCATGTCGGCGGCCGTGGGCG-3'
Protein context (NP_001129121.1, residues 5-25): CGDNFGVYSQ[Pro15Leu]GLPPPAATAA

ClinVar aggregate classification (germline): Uncertain significance (1 of 4 stars; one submission).

Submission:

Labcorp Genetics (formerly Invitae), Labcorp
Classification: Uncertain significance. Last evaluated: 2025-03-18. Review status: criteria provided, single submitter. Criteria: Invitae Variant Classification Sherloc (09022015). Collection method: clinical testing. Allele origin: germline.
Comment: This sequence change replaces proline, which is neutral and non-polar, with leucine, which is neutral and non-polar, at codon 15 of the FOXI3 protein (p.Pro15Leu). The frequency data for this variant in the population databases is considered unreliable, as metrics indicate insufficient coverage at this position in the gnomAD database. This variant has not been reported in the literature in individuals affected with FOXI3-related conditions. ClinVar contains an entry for this variant (Variation ID: 2011575). Experimental studies and prediction algorithms are not available or were not evaluated, and the functional significance of this variant is currently unknown. In summary, the available evidence is currently insufficient to determine the role of this variant in disease. Therefore, it has been classified as a Variant of Uncertain Significance.